The following is an entry in ClinVar:

ClinVar aggregate classification (germline): Uncertain significance (1 of 4 stars; one submission).

Conditions:
Cataract 23 (CTRCT23). Also called: CATARACT 23, LAMELLAR; Cataract 23, multiple types. Identifiers: Orphanet 91492, MedGen C3808012, MONDO:0012489, OMIM 610425.

Submission:

Labcorp Genetics (formerly Invitae), Labcorp
Classification: Uncertain significance for Cataract 23. Last evaluated: 2025-03-12. Review status: criteria provided, single submitter. Criteria: Invitae Variant Classification Sherloc (09022015). Collection method: clinical testing. Allele origin: germline.
Comment: This sequence change replaces alanine, which is neutral and non-polar, with aspartic acid, which is acidic and polar, at codon 79 of the CRYBA4 protein (p.Ala79Asp). This variant is not present in population databases (gnomAD no frequency). This variant has not been reported in the literature in individuals affected with CRYBA4-related conditions. An algorithm developed to predict the effect of missense changes on protein structure and function (PolyPhen-2) suggests that this variant is likely to be disruptive. In summary, the available evidence is currently insufficient to determine the role of this variant in disease. Therefore, it has been classified as a Variant of Uncertain Significance.

NM_001886.3(CRYBA4):c.236C>A (p.Ala79Asp)

Gene: CRYBA4 (crystallin beta A4; plus strand). Cytogenetic location: 22q12.1.
Variant type: single nucleotide variant.
Coding change: c.236C>A on transcript NM_001886.3 (MANE Select); coding-DNA position 236, C replaced by A.
Protein change: p.Ala79Asp; replaces alanine 79 with aspartic acid.
Molecular consequence: missense variant.
Genome position (GRCh38, 1-based): chr22:26,625,558, C>A. VCF-style: chr22-26625558-C-A. GRCh37 (hg19) VCF-style: chr22-27021522-C-A.
Other names: short protein forms A79D.
Identifiers: ClinVar variation 4714941 (VCV004714941.1).
Genomic context (GRCh38, chr22:26,625,558, plus strand): 5'-ATGCTGGCTTCCAAGGGCAGCAGTACATTCTGGAACGAGGCGAATATCCAAGCTGGGATG[C>A]CTGGGGCGGCAACACGGCCTACCCCGCCGAGAGGCTCACCTCCTTCCGGCCTGCGGCCTG-3'
Protein context (NP_001877.1, residues 69-89): LERGEYPSWD[Ala79Asp]WGGNTAYPAE